The following is an entry in ClinVar:

ClinVar aggregate classification (germline): Uncertain significance (1 of 4 stars; one submission).

Conditions:
Baller-Gerold syndrome (BGS). Also called: CRANIOSYNOSTOSIS WITH RADIAL DEFECTS. Identifiers: Orphanet 1225, MedGen C0265308, MONDO:0009039, OMIM 218600.

Submission:

Labcorp Genetics (formerly Invitae), Labcorp
Classification: Uncertain significance for Baller-Gerold syndrome. Last evaluated: 2019-02-13. Review status: criteria provided, single submitter. Criteria: Invitae Variant Classification Sherloc (09022015). Collection method: clinical testing. Allele origin: germline.
Comment: In summary, the available evidence is currently insufficient to determine the role of this variant in disease. Therefore, it has been classified as a Variant of Uncertain Significance. Algorithms developed to predict the effect of missense changes on protein structure and function are either unavailable or do not agree on the potential impact of this missense change (SIFT: "Tolerated"; PolyPhen-2: "Possibly Damaging"; Align-GVGD: "Class C0"). This variant has not been reported in the literature in individuals with RECQL4-related conditions. This variant is present in population databases (rs752370500, ExAC 0.01%). This sequence change replaces¬†asparagine¬†with¬†aspartic acid¬†at codon 616 of the RECQL4 protein (p.Asn616Asp). The¬†asparagine¬†residue is highly conserved and there is a small physicochemical difference between¬†asparagine¬†and¬†aspartic acid.

NM_004260.4(RECQL4):c.1846A>G (p.Asn616Asp)

Gene: RECQL4 (RecQ like helicase 4; minus strand). Cytogenetic location: 8q24.3.
Variant type: single nucleotide variant.
Coding change: c.1846A>G on transcript NM_004260.4 (MANE Select); coding-DNA position 1846, A replaced by G.
Protein change: p.Asn616Asp; replaces asparagine 616 with aspartic acid.
Molecular consequence: missense variant.
Genome position (GRCh38, 1-based): chr8:144,514,221, T>C on the plus strand (A>G on the coding strand, the complement: RECQL4 is on the minus strand). VCF-style: chr8-144514221-T-C. GRCh37 (hg19) VCF-style: chr8-145739605-T-C.
Other names: short protein forms N616D.
Identifiers: ClinVar variation 836476 (VCV000836476.3), dbSNP rs752370500, ClinGen allele CA4948640.